The following is an entry in ClinVar:

NM_001267550.2(TTN):c.107864C>A (p.Thr35955Asn)

Genes: TTN-AS1 (TTN antisense RNA 1; plus strand), TTN (titin; minus strand). Cytogenetic location: 2q31.2.
Variant type: single nucleotide variant.
Coding change: c.107864C>A on transcript NM_001267550.2 (MANE Select); coding-DNA position 107864, C replaced by A.
Protein change: p.Thr35955Asn; replaces threonine 35955 with asparagine.
Molecular consequence: missense variant.
Genome position (GRCh38, 1-based): chr2:178,527,124, G>T on the plus strand (C>A on the coding strand, the complement: TTN is on the minus strand). VCF-style: chr2-178527124-G-T. GRCh37 (hg19) VCF-style: chr2-179391851-G-T.
Other names: c.102941C>A, p.Thr34314Asn (NM_001256850.1); c.80669C>A, p.Thr26890Asn (NM_003319.4); c.100160C>A, p.Thr33387Asn (NM_133378.4); c.81044C>A, p.Thr27015Asn (NM_133432.3); c.81245C>A, p.Thr27082Asn (NM_133437.4); short protein forms T35955N, T34314N, T26890N, T27015N, T27082N, T33387N.
Identifiers: ClinVar variation 1399840 (VCV001399840.9), dbSNP rs370267738, ClinGen allele CA1984866.
Genomic context (GRCh38, chr2:178,527,124, plus strand): 5'-TTCCCTAAACTCAGGGTATAAAGTCCACCATCTTGTTTCTGTACGTCCATGATGATCAGG[G>T]TTGTCAGGTCATCTGTGTTTTCAATGTGGAACCTCCCCTGTTCTTGACTGTGGATTTTTC-3'
Protein context (NP_001254479.2, residues 35945-35965): FHIENTDDLT[Thr35955Asn]LIIMDVQKQD

ClinVar aggregate classification (germline): Uncertain significance (1 of 4 stars; one submission).

Conditions:
Dilated cardiomyopathy 1G (CMD1G). Identifiers: Orphanet 154, MedGen C1858763, MONDO:0011400, OMIM 604145.
Autosomal recessive limb-girdle muscular dystrophy type 2J (LGMDR10). Also called: Limb-girdle muscular dystrophy, type 2J; MUSCULAR DYSTROPHY, LIMB-GIRDLE, AUTOSOMAL RECESSIVE 10. Identifiers: Orphanet 140922, MedGen C1837342, MONDO:0012127, OMIM 608807.

Allele frequency attached by ClinVar (database versions not stated): gnomAD 0.00001; gnomAD exomes 0.00001; ExAC 0.00002; TOPMed 0.00002; ESP Exome Variant Server 0.00016.
gnomAD v4.1: 12 of 1,613,842 alleles (0.00074%); highest among the groups gnomAD compares: Admixed American, 0.0017%; no homozygotes.

Submission:

Labcorp Genetics (formerly Invitae), Labcorp
Classification: Uncertain significance for Dilated cardiomyopathy 1G; Autosomal recessive limb-girdle muscular dystrophy type 2J. Last evaluated: 2024-09-10. Review status: criteria provided, single submitter. Criteria: Invitae Variant Classification Sherloc (09022015). Collection method: clinical testing. Allele origin: germline.
Comment: This sequence change replaces threonine, which is neutral and polar, with asparagine, which is neutral and polar, at codon 35955 of the TTN protein (p.Thr35955Asn). This variant is present in population databases (rs370267738, gnomAD 0.003%). This missense change has been observed in individuals with dilated cardiomyopathy (internal data). ClinVar contains an entry for this variant (Variation ID: 1399840). Experimental studies and prediction algorithms are not available or were not evaluated, and the functional significance of this variant is currently unknown. This variant is located in the M band of TTN (PMID: 25589632). Non-truncating variants in this region may be relevant for neuromuscular disorders, but have not been definitively shown to cause cardiomyopathy (PMID: 23975875). In summary, the available evidence is currently insufficient to determine the role of this variant in disease. Therefore, it has been classified as a Variant of Uncertain Significance.

Literature cited by the submitters: PubMed 25589632; PubMed 23975875.